The following is an entry in ClinVar:

ClinVar aggregate classification (germline): Uncertain significance (1 of 4 stars; one submission).

gnomAD v4.1: 1 of 1,613,970 alleles (0.000062%); highest among the groups gnomAD compares: Non-Finnish European, 0.000085%; no homozygotes.

Submission:

GeneDx
Classification: Uncertain significance. Last evaluated: 2026-02-25. Review status: criteria provided, single submitter. Criteria: GeneDx Variant Classification Process June 2021. Collection method: clinical testing. Allele origin: germline.
Comment: Not observed at significant frequency in large population cohorts (gnomAD); In silico analysis supports that this missense variant has a deleterious effect on protein structure/function; In silico analysis suggests this variant may impact gene splicing. In the absence of RNA/functional studies, the actual effect of this sequence change is unknown.; Has not been previously published as pathogenic or benign to our knowledge

NM_000829.4(GRIA4):c.92G>T (p.Gly31Val)

Gene: GRIA4 (glutamate ionotropic receptor AMPA type subunit 4; plus strand). Cytogenetic location: 11q22.3.
Variant type: single nucleotide variant.
Coding change: c.92G>T on transcript NM_000829.4 (MANE Select); coding-DNA position 92, G replaced by T.
Protein change: p.Gly31Val; replaces glycine 31 with valine.
Molecular consequence: missense variant. On other transcripts: non-coding transcript variant (1).
Genome position (GRCh38, 1-based): chr11:105,612,279, G>T. VCF-style: chr11-105612279-G-T. GRCh37 (hg19) VCF-style: chr11-105483006-G-T.
Other names: c.92G>T, p.Gly31Val (NM_001077243.3, NM_001077244.2, NM_001112812.2 and 20 more transcripts); short protein forms G31V.
Identifiers: ClinVar variation 5009702 (VCV005009702.1).